The following is an entry in ClinVar:

NM_024675.4(PALB2):c.3141A>G (p.Lys1047=)

Gene: PALB2 (partner and localizer of BRCA2; minus strand). Cytogenetic location: 16p12.2.
Variant type: single nucleotide variant.
Coding change: c.3141A>G on transcript NM_024675.4 (MANE Select); coding-DNA position 3141, A replaced by G.
Protein change: p.Lys1047=; no amino-acid change (lysine 1047 retained).
Molecular consequence: synonymous variant.
Genome position (GRCh38, 1-based): chr16:23,614,064, T>C on the plus strand (A>G on the coding strand, the complement: PALB2 is on the minus strand). VCF-style: chr16-23614064-T-C. GRCh37 (hg19) VCF-style: chr16-23625385-T-C.
Identifiers: ClinVar variation 1097869 (VCV001097869.15), dbSNP rs2142299817, ClinGen allele CA494177704.

ClinVar aggregate classification (germline): Benign/Likely benign. Review status: criteria provided, multiple submitters, no conflicts (2 of 4 stars). 4 submissions from 4 submitters: Benign (2); Likely benign (2). Last evaluated 2025-01-21.

Conditions:
Hereditary cancer-predisposing syndrome. Also called: Tumor predisposition; Hereditary neoplastic syndrome; Hereditary Cancer Syndrome; Neoplastic Syndromes, Hereditary. Identifiers: Orphanet 140162, MedGen C0027672, MeSH D009386, MONDO:0015356.
Familial cancer of breast. Also called: Hereditary breast cancer; hereditary breast carcinoma; BREAST CANCER, FAMILIAL. Identifiers: Orphanet 227535, MedGen C0346153, MONDO:0016419, OMIM 114480. Disease mechanism: loss of function.

Allele frequency attached by ClinVar (database versions not stated): gnomAD exomes below 0.00001.
gnomAD v4.1: 2 of 1,613,360 alleles (0.00012%); highest among the groups gnomAD compares: South Asian, 0.0011%; no homozygotes.

Submissions (4):

Myriad Genetics, Inc.
Classification: Benign for Familial cancer of breast. Last evaluated: 2025-01-21. Review status: criteria provided, single submitter. Criteria: Myriad Autosomal Dominant, Autosomal Recessive and X-Linked Classification Criteria (2023). Collection method: clinical testing. Allele origin: unknown.
Comment: This variant is considered benign. This variant is a silent/synonymous amino acid change and it is not expected to impact splicing.

Labcorp Genetics (formerly Invitae), Labcorp
Classification: Likely benign for Familial cancer of breast. Last evaluated: 2022-07-01. Review status: criteria provided, single submitter. Criteria: Invitae Variant Classification Sherloc (09022015). Collection method: clinical testing. Allele origin: germline.

Ambry Genetics
Classification: Likely benign for Hereditary cancer-predisposing syndrome. Last evaluated: 2022-04-10. Review status: criteria provided, single submitter. Criteria: Ambry Variant Classification Scheme 2023. Collection method: clinical testing. Allele origin: germline.

Women's Health and Genetics/Laboratory Corporation of America, LabCorp
Classification: Benign. Last evaluated: 2021-12-17. Review status: criteria provided, single submitter. Criteria: LabCorp Variant Classification Summary - May 2015. Collection method: clinical testing. Allele origin: germline.
Comment: Variant summary: PALB2 c.3141A>G alters a non-conserved nucleotide resulting in a synonymous change. 4/4 computational tools predict no significant impact on normal splicing. However, these predictions have yet to be confirmed by functional studies. The variant was absent in 251076 control chromosomes (gnomAD). The available data on variant occurrences in the general population are insufficient to allow any conclusion about variant significance. To our knowledge, no occurrence of c.3141A>G in individuals affected with Breast Cancer and no experimental evidence demonstrating its impact on protein function have been reported. Co-occurrences with other pathogenic variant have been reported by internal testing (BRCA2 c.7251_7252delCA, p.H2417fs*3), providing supporting evidence for a benign role. One clinical diagnostic laboratories have submitted clinical-significance assessments for this variant to ClinVar after 2014 and classified the variant as likely benign. Based on the evidence outlined above, the variant was classified as benign.